The following is an entry in ClinVar:

NM_000257.4(MYH7):c.4616A>G (p.Glu1539Gly)

Genes: MHRT (myosin heavy chain associated RNA transcript; plus strand), MYH7 (myosin heavy chain 7; minus strand). Cytogenetic location: 14q11.2.
Variant type: single nucleotide variant.
Coding change: c.4616A>G on transcript NM_000257.4 (MANE Select); coding-DNA position 4616, A replaced by G.
Protein change: p.Glu1539Gly; replaces glutamic acid 1539 with glycine.
Molecular consequence: missense variant.
Genome position (GRCh38, 1-based): chr14:23,416,896, T>C on the plus strand (A>G on the coding strand, the complement: MYH7 is on the minus strand). VCF-style: chr14-23416896-T-C. GRCh37 (hg19) VCF-style: chr14-23886105-T-C.
Other names: c.4616A>G (NM_000257.2); short protein forms E1539G.
Identifiers: ClinVar variation 928850 (VCV000928850.4), dbSNP rs1446214564, ClinGen allele CA389038016.
Genomic context (GRCh38, chr14:23,416,896, plus strand): 5'-CCCTGCACCCCGTGCCCTGCACACACACACACCTCGGCCTCCTCCAGGGCTGACTGCAGC[T>C]CCATCTTCTCGGCCTCCAGCTGCTTTCGGACCTTCTCCAGCTCATGGATAGTCTTTCCGC-3'
Protein context (NP_000248.2, residues 1529-1549): VRKQLEAEKM[Glu1539Gly]LQSALEEAEA

ClinVar aggregate classification (germline): Uncertain significance. Review status: criteria provided, multiple submitters, no conflicts (2 of 4 stars). 2 submissions from 2 submitters: Uncertain significance (2). Last evaluated 2019-06-24.

Allele frequency attached by ClinVar (database versions not stated): gnomAD exomes below 0.00001.

Submissions (2):

Women's Health and Genetics/Laboratory Corporation of America, LabCorp
Classification: Uncertain significance. Last evaluated: 2019-06-24. Review status: criteria provided, single submitter. Criteria: LabCorp Variant Classification Summary - May 2015. Collection method: clinical testing. Allele origin: germline.
Comment: Variant summary: MYH7 c.4616A>G (p.Glu1539Gly) results in a non-conservative amino acid change located in the Myosin tail domain of the encoded protein sequence. Five of five in-silico tools predict a damaging effect of the variant on protein function. The variant allele was found at a frequency of 4e-06 in 251214 control chromosomes (gnomAD). The available data on variant occurrences in the general population are insufficient to allow any conclusion about variant significance. To our knowledge, no occurrence of c.4616A>G in individuals affected with Cardiomyopathy and no experimental evidence demonstrating its impact on protein function have been reported. No clinical diagnostic laboratories have submitted clinical-significance assessments for this variant to ClinVar after 2014. Based on the evidence outlined above, the variant was classified as uncertain significance.

Revvity Omics, Revvity
Classification: Uncertain significance. Last evaluated: 2019-02-28. Review status: criteria provided, single submitter. Criteria: ACMG Guidelines, 2015. Collection method: clinical testing. Allele origin: germline.